The following is an entry in ClinVar:

NM_003331.5(TYK2):c.2655G>A (p.Pro885=)

Gene: TYK2 (tyrosine kinase 2; minus strand). Cytogenetic location: 19p13.2.
Variant type: single nucleotide variant.
Coding change: c.2655G>A on transcript NM_003331.5 (MANE Select); coding-DNA position 2655, G replaced by A.
Protein change: p.Pro885=; no amino-acid change (proline 885 retained).
Molecular consequence: synonymous variant.
Genome position (GRCh38, 1-based): chr19:10,354,572, C>T on the plus strand (G>A on the coding strand, the complement: TYK2 is on the minus strand). VCF-style: chr19-10354572-C-T. GRCh37 (hg19) VCF-style: chr19-10465248-C-T.
Other names: c.2655G>A, p.Pro885= (NM_001385197.1, NM_001385198.1, NM_001406461.1); c.2469G>A, p.Pro823= (NM_001385199.1); c.2652G>A, p.Pro884= (NM_001385200.1); c.2457G>A, p.Pro819= (NM_001385201.1); c.2571G>A, p.Pro857= (NM_001385202.1); c.2736G>A, p.Pro912= (NM_001385203.1); c.2865G>A, p.Pro955= (NM_001385204.1); c.2565G>A, p.Pro855= (NM_001385205.1); and 2 more.
Identifiers: ClinVar variation 1896334 (VCV001896334.8), dbSNP rs960841634, ClinGen allele CA305195191.

ClinVar aggregate classification (germline): Likely benign. Review status: criteria provided, multiple submitters, no conflicts (2 of 4 stars). 3 submissions from 3 submitters: Likely benign (2). 1 of the submissions does not count toward it. Last evaluated 2025-01-01.

Conditions:
Immunodeficiency 35 (IMD35). Also called: TYK2 DEFICIENCY; HIES WITH ATYPICAL MYCOBACTERIOSIS, AUTOSOMAL RECESSIVE; HYPER-IgE SYNDROME WITH ATYPICAL MYCOBACTERIOSIS, AUTOSOMAL RECESSIVE; Susceptibility to infection due to TYK2 deficiency. Identifiers: Orphanet 331226, MedGen C1969086, MONDO:0012682, OMIM 611521.
TYK2-related disorder. Also called: TYK2-related condition.

Allele frequency attached by ClinVar (database versions not stated): gnomAD exomes below 0.00001; TOPMed 0.00002.
gnomAD v4.1: 3 of 1,614,056 alleles (0.00019%); highest among the groups gnomAD compares: Admixed American, 0.0017%; no homozygotes.

Submissions (3):

Labcorp Genetics (formerly Invitae), Labcorp
Classification: Likely benign for Immunodeficiency 35. Last evaluated: 2025-01-01. Review status: criteria provided, single submitter. Criteria: Invitae Variant Classification Sherloc (09022015). Collection method: clinical testing. Allele origin: germline.

Blueprint Genetics
Classification: Likely benign. Last evaluated: 2023-08-28. Review status: criteria provided, single submitter. Criteria: ACMG Guidelines, 2015. Collection method: clinical testing. Allele origin: germline.

PreventionGenetics, part of Exact Sciences
Classification: Likely benign for TYK2-related condition. Last evaluated: 2020-07-20. Review status: no assertion criteria provided. Collection method: clinical testing. Allele origin: germline. Not counted in ClinVar's aggregate classification.
Comment: This variant is classified as likely benign based on ACMG/AMP sequence variant interpretation guidelines (Richards et al. 2015 PMID: 25741868, with internal and published modifications).